The following is an entry in ClinVar:

ClinVar aggregate classification (germline): Uncertain significance (1 of 4 stars; one submission).

Conditions:
Familial infantile myasthenia (CMS6). Also called: MYASTHENIC SYNDROME, PRESYNAPTIC, CONGENITAL, ASSOCIATED WITH EPISODIC APNEA; MYASTHENIC SYNDROME, CONGENITAL, 6, PRESYNAPTIC; Congenital myasthenic syndrome type 6. Identifiers: Orphanet 590, MedGen C0393929, MONDO:0009689, OMIM 254210.

Allele frequency attached by ClinVar (database versions not stated): TOPMed 0.00001.

Submission:

Labcorp Genetics (formerly Invitae), Labcorp
Classification: Uncertain significance for Familial infantile myasthenia. Last evaluated: 2021-08-24. Review status: criteria provided, single submitter. Criteria: Invitae Variant Classification Sherloc (09022015). Collection method: clinical testing. Allele origin: germline.
Comment: This sequence change replaces alanine with serine at codon 84 of the CHAT protein (p.Ala84Ser). The alanine residue is weakly conserved and there is a moderate physicochemical difference between alanine and serine. The frequency data for this variant in the population databases is considered unreliable, as metrics indicate insufficient coverage at this position in the ExAC database. This variant has not been reported in the literature in individuals affected with CHAT-related conditions. Algorithms developed to predict the effect of missense changes on protein structure and function output the following: SIFT: "Tolerated"; PolyPhen-2: "Benign"; Align-GVGD: "Class C0". The serine amino acid residue is found in multiple mammalian species, which suggests that this missense change does not adversely affect protein function. In summary, the available evidence is currently insufficient to determine the role of this variant in disease. Therefore, it has been classified as a Variant of Uncertain Significance.

NM_020549.5(CHAT):c.250G>T (p.Ala84Ser)

Gene: CHAT (choline O-acetyltransferase; plus strand). Cytogenetic location: 10q11.23.
Variant type: single nucleotide variant.
Coding change: c.250G>T on transcript NM_020549.5 (MANE Select); coding-DNA position 250, G replaced by T.
Protein change: p.Ala84Ser; replaces alanine 84 with serine.
Molecular consequence: missense variant. On other transcripts: 5 prime UTR variant (4), intron variant (2).
Genome position (GRCh38, 1-based): chr10:49,614,439, G>T. VCF-style: chr10-49614439-G-T. GRCh37 (hg19) VCF-style: chr10-50822485-G-T.
Other names: c.-105G>T (NM_001142929.2, NM_020985.4); c.-67G>T (NM_001142933.2); c.-175G>T (NM_001142934.2); c.-68-2063G>T (NM_020984.4); c.-69+1237G>T (NM_020986.4); short protein forms A84S.
Identifiers: ClinVar variation 940920 (VCV000940920.7), dbSNP rs1338798480, ClinGen allele CA376725418.
Genomic context (GRCh38, chr10:49,614,439, plus strand): 5'-GCGACACGCCCCCCACCCCTTCCGGCTCACACCCCCGCCCACACTCCTGAGTGGTGCGGT[G>T]CAGCGTCGGCCGAGGCAGCAGAGCCGAGGAGAGCAGGTGAGAAGAAGGGCTGGGCTGGGC-3'
Protein context (NP_065574.4, residues 74-94): TPAHTPEWCG[Ala84Ser]ASAEAAEPRR